The following is an entry in ClinVar:

ClinVar aggregate classification (germline): Uncertain significance (1 of 4 stars; one submission).

gnomAD v4.1: 3 of 1,613,742 alleles (0.00019%); highest among the groups gnomAD compares: Non-Finnish European, 0.00025%; no homozygotes.

Submission:

Labcorp Genetics (formerly Invitae), Labcorp
Classification: Uncertain significance. Last evaluated: 2023-01-01. Review status: criteria provided, single submitter. Criteria: Invitae Variant Classification Sherloc (09022015). Collection method: clinical testing. Allele origin: germline.
Comment: Advanced modeling of protein sequence and biophysical properties (such as structural, functional, and spatial information, amino acid conservation, physicochemical variation, residue mobility, and thermodynamic stability) performed at Invitae indicates that this missense variant is expected to disrupt DUOX2 protein function. This sequence change replaces serine, which is neutral and polar, with proline, which is neutral and non-polar, at codon 965 of the DUOX2 protein (p.Ser965Pro). This variant is not present in population databases (gnomAD no frequency). This variant has not been reported in the literature in individuals affected with DUOX2-related conditions. In summary, the available evidence is currently insufficient to determine the role of this variant in disease. Therefore, it has been classified as a Variant of Uncertain Significance.

NM_001363711.2(DUOX2):c.2893T>C (p.Ser965Pro)

Gene: DUOX2 (dual oxidase 2; minus strand). Cytogenetic location: 15q21.1.
Variant type: single nucleotide variant.
Coding change: c.2893T>C on transcript NM_001363711.2 (MANE Select); coding-DNA position 2893, T replaced by C.
Protein change: p.Ser965Pro; replaces serine 965 with proline.
Molecular consequence: missense variant.
Genome position (GRCh38, 1-based): chr15:45,101,233, A>G on the plus strand (T>C on the coding strand, the complement: DUOX2 is on the minus strand). VCF-style: chr15-45101233-A-G. GRCh37 (hg19) VCF-style: chr15-45393431-A-G.
Other names: c.2893T>C, p.Ser965Pro (NM_014080.5); short protein forms S965P.
Identifiers: ClinVar variation 2786961 (VCV002786961.3), dbSNP rs1184809452, ClinGen allele CA392265263.